The following is an entry in ClinVar:

NM_000719.7(CACNA1C):c.1951A>G (p.Ile651Val)

Gene: CACNA1C (calcium voltage-gated channel subunit alpha1 C; plus strand). Cytogenetic location: 12p13.33.
Variant type: single nucleotide variant.
Coding change: c.1951A>G on transcript NM_000719.7 (MANE Select); coding-DNA position 1951, A replaced by G.
Protein change: p.Ile651Val; replaces isoleucine 651 with valine.
Molecular consequence: missense variant.
Genome position (GRCh38, 1-based): chr12:2,581,645, A>G. VCF-style: chr12-2581645-A-G. GRCh37 (hg19) VCF-style: chr12-2690811-A-G.
Other names: c.1951A>G, p.Ile651Val (NM_001129827.2, NM_001129829.2, NM_001129830.3 and 18 more transcripts); c.1942A>G, p.Ile648Val (NM_001129844.2); short protein forms I651V, I648V.
Identifiers: ClinVar variation 526981 (VCV000526981.10), dbSNP rs1555825315, ClinGen allele CA383370198.

ClinVar aggregate classification (germline): Uncertain significance (1 of 4 stars; one submission).

Conditions:
Long QT syndrome (LQTS). Identifiers: MedGen C0023976, MeSH D008133, MONDO:0002442. Disease mechanism: loss of function. Inheritance: Various modes of inheritance.

Allele frequency attached by ClinVar (database versions not stated): gnomAD exomes below 0.00001.
gnomAD v4.1: 1 of 1,599,058 alleles (0.000063%); highest among the groups gnomAD compares: Non-Finnish European, 0.000085%; no homozygotes.

Submission:

Labcorp Genetics (formerly Invitae), Labcorp
Classification: Uncertain significance for Long QT syndrome. Last evaluated: 2018-10-02. Review status: criteria provided, single submitter. Criteria: Invitae Variant Classification Sherloc (09022015). Collection method: clinical testing. Allele origin: germline.
Comment: This sequence change replaces isoleucine with valine at codon 651 of the CACNA1C protein (p.Ile651Val). The isoleucine residue is highly conserved and there is a small physicochemical difference between isoleucine and valine. This variant is not present in population databases (ExAC no frequency). This variant has not been reported in the literature in individuals with CACNA1C-related disease. Algorithms developed to predict the effect of missense changes on protein structure and function do not agree on the potential impact of this missense change (SIFT: "Deleterious"; PolyPhen-2: "Benign"; Align-GVGD: "Class C0"). In summary, the available evidence is currently insufficient to determine the role of this variant in disease. Therefore, it has been classified as a Variant of Uncertain Significance.